The following is an entry in ClinVar:

NM_001042492.3(NF1):c.64C>T (p.Pro22Ser)

Gene: NF1 (neurofibromin 1; plus strand). Cytogenetic location: 17q11.2.
Variant type: single nucleotide variant.
Coding change: c.64C>T on transcript NM_001042492.3 (MANE Select); coding-DNA position 64, C replaced by T.
Protein change: p.Pro22Ser; replaces proline 22 with serine.
Molecular consequence: missense variant.
Genome position (GRCh38, 1-based): chr17:31,155,986, C>T. VCF-style: chr17-31155986-C-T. GRCh37 (hg19) VCF-style: chr17-29483004-C-T.
Other names: c.64C>T, p.Pro22Ser (NM_000267.4, NM_001128147.3); short protein forms P22S.
Identifiers: ClinVar variation 803336 (VCV000803336.6), dbSNP rs1597625794, ClinGen allele CA398988030.

ClinVar aggregate classification (germline): Conflicting classifications of pathogenicity. Review status: criteria provided, conflicting classifications (1 of 4 stars). 2 submissions from 2 submitters: Uncertain significance (1); Likely benign (1). Last evaluated 2022-01-20.

Conditions:
Neurofibromatosis, type 1 (NF1). Also called: Peripheral type neurofibromatosis; NEUROFIBROMATOSIS, TYPE I, SOMATIC; Neurofibromatosis, type I; VON RECKLINGHAUSEN DISEASE. Identifiers: Orphanet 636, MedGen C0027831, MONDO:0018975, OMIM 162200. Disease mechanism: loss of function.

Submissions (2):

Labcorp Genetics (formerly Invitae), Labcorp
Classification: Uncertain significance for Neurofibromatosis, type 1. Last evaluated: 2022-01-20. Review status: criteria provided, single submitter. Criteria: Invitae Variant Classification Sherloc (09022015). Collection method: clinical testing. Allele origin: germline.
Comment: ClinVar contains an entry for this variant (Variation ID: 803336). Algorithms developed to predict the effect of missense changes on protein structure and function (SIFT, PolyPhen-2, Align-GVGD) all suggest that this variant is likely to be tolerated. In summary, the available evidence is currently insufficient to determine the role of this variant in disease. Therefore, it has been classified as a Variant of Uncertain Significance. This sequence change replaces proline, which is neutral and non-polar, with serine, which is neutral and polar, at codon 22 of the NF1 protein (p.Pro22Ser). This variant is not present in population databases (gnomAD no frequency). This variant has not been reported in the literature in individuals affected with NF1-related conditions.

Mendelics
Classification: Likely benign for Neurofibromatosis, type 1. Last evaluated: 2019-05-28. Review status: criteria provided, single submitter. Criteria: Mendelics Assertion Criteria 2017. Collection method: clinical testing. Allele origin: unknown.